The following is an entry in ClinVar:

NM_001563.4(IMPG1):c.1843T>C (p.Ser615Pro)

Gene: IMPG1 (interphotoreceptor matrix proteoglycan 1; minus strand). Cytogenetic location: 6q14.1.
Variant type: single nucleotide variant.
Coding change: c.1843T>C on transcript NM_001563.4 (MANE Select); coding-DNA position 1843, T replaced by C.
Protein change: p.Ser615Pro; replaces serine 615 with proline.
Molecular consequence: missense variant.
Genome position (GRCh38, 1-based): chr6:75,947,515, A>G on the plus strand (T>C on the coding strand, the complement: IMPG1 is on the minus strand). VCF-style: chr6-75947515-A-G. GRCh37 (hg19) VCF-style: chr6-76657232-A-G.
Other names: c.1609T>C, p.Ser537Pro (NM_001282368.2); short protein forms S615P, S537P.
Identifiers: ClinVar variation 1934459 (VCV001934459.5), dbSNP rs984685022, ClinGen allele CA141081024.
Genomic context (GRCh38, chr6:75,947,515, plus strand): 5'-CAATCACACTCCCGTTTCTGAAGTTAAGTATTTCAAGTTGCTTAAATCCTGTAAGATTGG[A>G]TCGTAGATATGGAACCAGCTGCAAAATAAAAGATGGTTTCCTCTTAACTGTGTTCTAAGT-3'
Protein context (NP_001554.2, residues 605-625): FTQLLVPYLR[Ser615Pro]NLTGFKQLEI

ClinVar aggregate classification (germline): Uncertain significance (1 of 4 stars; one submission).

Allele frequency attached by ClinVar (database versions not stated): TOPMed below 0.00001.

Submission:

Labcorp Genetics (formerly Invitae), Labcorp
Classification: Uncertain significance. Last evaluated: 2021-12-24. Review status: criteria provided, single submitter. Criteria: Invitae Variant Classification Sherloc (09022015). Collection method: clinical testing. Allele origin: germline.
Comment: In summary, the available evidence is currently insufficient to determine the role of this variant in disease. Therefore, it has been classified as a Variant of Uncertain Significance. Algorithms developed to predict the effect of missense changes on protein structure and function (SIFT, PolyPhen-2, Align-GVGD) all suggest that this variant is likely to be disruptive. This variant has not been reported in the literature in individuals affected with IMPG1-related conditions. This variant is not present in population databases (gnomAD no frequency). This sequence change replaces serine, which is neutral and polar, with proline, which is neutral and non-polar, at codon 615 of the IMPG1 protein (p.Ser615Pro).